The following is an entry in ClinVar:

ClinVar aggregate classification (germline): Benign/Likely benign. Review status: criteria provided, multiple submitters, no conflicts (2 of 4 stars). 8 submissions from 8 submitters: Benign (5); Likely benign (2). 1 of the submissions does not count toward it. Last evaluated 2026-01-28.

Conditions:
Primary ciliary dyskinesia. Also called: Ciliary dyskinesia. Identifiers: Orphanet 244, MedGen C0008780, MONDO:0016575, HP:0012265.
Primary ciliary dyskinesia 3. Identifiers: Orphanet 244, MedGen C1837618, MONDO:0012085, OMIM 608644.

Allele frequency attached by ClinVar (database versions not stated): TOPMed 0.01585; 1000 Genomes Project 0.01837; 1000 Genomes Project 30x 0.01843; ExAC 0.00440; ESP Exome Variant Server 0.01415; gnomAD 0.01470.
gnomAD v4.1: 4,276 of 1,614,128 alleles (0.26%); highest among the groups gnomAD compares: African/African-American, 4.8%; 105 homozygotes.

Submissions (8):

Labcorp Genetics (formerly Invitae), Labcorp
Classification: Benign for Primary ciliary dyskinesia. Last evaluated: 2026-01-28. Review status: criteria provided, single submitter. Criteria: Invitae Variant Classification Sherloc (09022015). Collection method: clinical testing. Allele origin: germline.

ARUP Laboratories, Molecular Genetics and Genomics, ARUP Laboratories
Classification: Benign for Primary ciliary dyskinesia 3. Last evaluated: 2024-04-08. Review status: criteria provided, single submitter. Criteria: ARUP Molecular Germline Variant Investigation Process 2024. Collection method: clinical testing. Allele origin: germline.

Illumina Laboratory Services, Illumina
Classification: Likely benign for Primary ciliary dyskinesia 3. Last evaluated: 2017-04-27. Review status: criteria provided, single submitter. Criteria: ICSL Variant Classification Criteria 13 December 2019. Collection method: clinical testing. Allele origin: germline.
Comment: This variant was observed as part of a predisposition screen in an ostensibly healthy population. A literature search was performed for the gene, cDNA change, and amino acid change (where applicable). No publications were found based on this search. Allele frequency data from public databases allowed determination this variant is unlikely to cause disease. Therefore, this variant is classified as likely benign.

Ambry Genetics
Classification: Benign for Primary ciliary dyskinesia. Last evaluated: 2015-01-16. Review status: criteria provided, single submitter. Criteria: Ambry Variant Classification Scheme 2023. Collection method: clinical testing. Allele origin: germline.

Laboratory for Molecular Medicine, Mass General Brigham Personalized Medicine
Classification: Benign. Last evaluated: 2013-02-21. Review status: criteria provided, single submitter. Criteria: LMM Criteria. Collection method: clinical testing. Allele origin: germline. Observed: 2 variant alleles.
Comment: Ser1006Gly in exon 20 of DNAH5: This variant is not expected to have clinical si gnificance because it has been identified in 4.1% (182/4406) of African American chromosomes from a broad population by the NHLBI Exome Sequencing Project (dbSNP rs16902886).

Breakthrough Genomics
Classification: Likely benign. Review status: criteria provided, single submitter. Criteria: ACMG Guidelines, 2015. Collection method: not provided. Allele origin: germline. Inheritance: Autosomal recessive inheritance. Affected: yes.

PreventionGenetics, part of Exact Sciences
Classification: Benign. Review status: criteria provided, single submitter. Criteria: ACMG Guidelines, 2015. Collection method: clinical testing. Allele origin: germline.

Natera, Inc.
Classification: Benign for Primary ciliary dyskinesia. Last evaluated: 2020-09-16. Review status: no assertion criteria provided. Collection method: clinical testing. Allele origin: germline. Not counted in ClinVar's aggregate classification.

NM_001369.3(DNAH5):c.3016A>G (p.Ser1006Gly)

Genes: DNAH5 (dynein axonemal heavy chain 5; minus strand), DNAH5-AS1 (DNAH5 antisense RNA 1; plus strand). Cytogenetic location: 5p15.2.
Variant type: single nucleotide variant.
Coding change: c.3016A>G on transcript NM_001369.3 (MANE Select); coding-DNA position 3016, A replaced by G.
Protein change: p.Ser1006Gly; replaces serine 1006 with glycine.
Molecular consequence: missense variant.
Genome position (GRCh38, 1-based): chr5:13,883,062, T>C on the plus strand (A>G on the coding strand, the complement: DNAH5 is on the minus strand). VCF-style: chr5-13883062-T-C. GRCh37 (hg19) VCF-style: chr5-13883171-T-C.
Other names: short protein forms S1006G.
Identifiers: ClinVar variation 163155 (VCV000163155.30), dbSNP rs16902886, ClinGen allele CA175803.